The following is an entry in ClinVar:

ClinVar aggregate classification (germline): Benign (1 of 4 stars; one submission).

Conditions:
Asphyxiating thoracic dystrophy 3. Also called: Saldino-Noonan Syndrome; SHORT-RIB THORACIC DYSPLASIA 3 WITH OR WITHOUT POLYDACTYLY; POLYDACTYLY WITH NEONATAL CHONDRODYSTROPHY, TYPE I; SHORT-RIB THORACIC DYSPLASIA 3/6 WITH POLYDACTYLY, DIGENIC; Short rib polydactyly syndrome 2B. Identifiers: Orphanet 474, Orphanet 93269, Orphanet 93270, Orphanet 93271, MedGen C0036069, MONDO:0013127, OMIM 613091.

Allele frequency attached by ClinVar (database versions not stated): 1000 Genomes Project 30x 0.00609; gnomAD 0.00083 and 0.00125; 1000 Genomes Project 0.00619; TOPMed 0.00121; gnomAD exomes 0.00166.
gnomAD v4.1: 685 of 451,820 alleles (0.15%); highest among the groups gnomAD compares: East Asian, 2.5%; 9 homozygotes.

Submission:

Illumina Laboratory Services, Illumina
Classification: Benign for Asphyxiating thoracic dystrophy 3. Last evaluated: 2018-01-12. Review status: criteria provided, single submitter. Criteria: ICSL Variant Classification Criteria 13 December 2019. Collection method: clinical testing. Allele origin: germline.
Comment: This variant was observed in the ICSL laboratory as part of a predisposition screen in an ostensibly healthy population. It had not been previously curated by ICSL or reported in the Human Gene Mutation Database (HGMD: prior to June 1st, 2018), and was therefore a candidate for classification through an automated scoring system. Utilizing variant allele frequency, disease prevalence and penetrance estimates, and inheritance mode, an automated score was calculated to assess if this variant is too frequent to cause the disease. Based on the score and internal cut-off values, a variant classified as benign is not then subjected to further curation. The score for this variant resulted in a classification of benign for this disease.

NM_001377.3(DYNC2H1):c.*211A>G

Gene: DYNC2H1 (dynein cytoplasmic 2 heavy chain 1; plus strand). Cytogenetic location: 11q22.3.
Variant type: single nucleotide variant.
Coding change: c.*211A>G on transcript NM_001377.3 (MANE Select); 211 bases downstream of the stop codon, A replaced by G.
Molecular consequence: 3 prime UTR variant.
Genome position (GRCh38, 1-based): chr11:103,479,464, A>G. VCF-style: chr11-103479464-A-G. GRCh37 (hg19) VCF-style: chr11-103350192-A-G.
Other names: c.*211A>G (NM_001080463.2).
Identifiers: ClinVar variation 302132 (VCV000302132.6), dbSNP rs148091830, ClinGen allele CA10629744.